The following is an entry in ClinVar:

ClinVar aggregate classification (germline): Likely benign (0 of 4 stars; one submission).

Conditions:
CACNA1H-related disorder.

Allele frequency attached by ClinVar (database versions not stated): gnomAD exomes below 0.00001; ExAC 0.00001.
gnomAD v4.1: 1 of 1,521,302 alleles (0.000066%); highest among the groups gnomAD compares: Non-Finnish European, 0.000088%; no homozygotes.

Submission:

PreventionGenetics, part of Exact Sciences
Classification: Likely benign for CACNA1H-related condition. Last evaluated: 2022-06-08. Review status: no assertion criteria provided. Collection method: clinical testing. Allele origin: germline.
Comment: This variant is classified as likely benign based on ACMG/AMP sequence variant interpretation guidelines (Richards et al. 2015 PMID: 25741868, with internal and published modifications).

NM_021098.3(CACNA1H):c.6237C>T (p.Val2079=)

Gene: CACNA1H (calcium voltage-gated channel subunit alpha1 H; plus strand). Cytogenetic location: 16p13.3.
Variant type: single nucleotide variant.
Coding change: c.6237C>T on transcript NM_021098.3 (MANE Select); coding-DNA position 6237, C replaced by T.
Protein change: p.Val2079=; no amino-acid change (valine 2079 retained).
Molecular consequence: synonymous variant.
Genome position (GRCh38, 1-based): chr16:1,220,169, C>T. VCF-style: chr16-1220169-C-T. GRCh37 (hg19) VCF-style: chr16-1270169-C-T.
Other names: c.6219C>T, p.Val2073= (NM_001005407.2).
Identifiers: ClinVar variation 3047833 (VCV003047833.2), dbSNP rs773935808, ClinGen allele CA7802276.